The following is an entry in ClinVar:

NM_001352027.3(PHF21A):c.853G>A (p.Val285Ile)

Gene: PHF21A (PHD finger protein 21A; minus strand). Cytogenetic location: 11p11.2.
Variant type: single nucleotide variant.
Coding change: c.853G>A on transcript NM_001352027.3 (MANE Select); coding-DNA position 853, G replaced by A.
Protein change: p.Val285Ile; replaces valine 285 with isoleucine.
Molecular consequence: missense variant. On other transcripts: non-coding transcript variant (2).
Genome position (GRCh38, 1-based): chr11:45,965,458, C>T on the plus strand (G>A on the coding strand, the complement: PHF21A is on the minus strand). VCF-style: chr11-45965458-C-T. GRCh37 (hg19) VCF-style: chr11-45987009-C-T.
Other names: c.850G>A, p.Val284Ile (NM_001101802.3, NM_001352030.3, NM_001352031.3 and 1 more transcripts); c.853G>A, p.Val285Ile (NM_001352025.3, NM_001352026.3, NM_001352028.1 and 2 more transcripts); c.850G>A (NM_001101802.1); short protein forms V285I, V284I.
Identifiers: ClinVar variation 2184019 (VCV002184019.5), dbSNP rs139491575, ClinGen allele CA5961268.
Genomic context (GRCh38, chr11:45,965,458, plus strand): 5'-TGAGCTGGGCCATGGGGAACGTTTTGGCTATGGTTGCAGTCTGCCCATTGACGACACGGA[C>T]GGGGTGGATGGAATTCTGGGATGTGGGAAGGGTTGTGGGGGTGAACTTGGTCAGCATGAC-3'
Protein context (NP_001338956.1, residues 275-295): LPTSQNSIHP[Val285Ile]RVVNGQTATI

ClinVar aggregate classification (germline): Conflicting classifications of pathogenicity. Review status: criteria provided, conflicting classifications (1 of 4 stars). 2 submissions from 2 submitters: Uncertain significance (1); Likely benign (1). Last evaluated 2025-09-09.

Conditions:
Inborn genetic diseases. Identifiers: MedGen C0950123, MeSH D030342.

Allele frequency attached by ClinVar (database versions not stated): ExAC 0.00005; gnomAD 0.00007; TOPMed 0.00007; gnomAD exomes 0.00008; ESP Exome Variant Server 0.00015.
gnomAD v4.1: 127 of 1,613,714 alleles (0.0079%); highest among the groups gnomAD compares: Non-Finnish European, 0.011%; no homozygotes.

Submissions (2):

Ambry Genetics
Classification: Likely benign for Inborn genetic diseases. Last evaluated: 2025-09-09. Review status: criteria provided, single submitter. Criteria: Ambry Variant Classification Scheme 2023. Collection method: clinical testing. Allele origin: germline.

Labcorp Genetics (formerly Invitae), Labcorp
Classification: Uncertain significance. Last evaluated: 2025-02-10. Review status: criteria provided, single submitter. Criteria: Invitae Variant Classification Sherloc (09022015). Collection method: clinical testing. Allele origin: germline.
Comment: This sequence change replaces valine, which is neutral and non-polar, with isoleucine, which is neutral and non-polar, at codon 284 of the PHF21A protein (p.Val284Ile). This variant is present in population databases (rs139491575, gnomAD 0.009%). This variant has not been reported in the literature in individuals affected with PHF21A-related conditions. ClinVar contains an entry for this variant (Variation ID: 2184019). Invitae Evidence Modeling of protein sequence and biophysical properties (such as structural, functional, and spatial information, amino acid conservation, physicochemical variation, residue mobility, and thermodynamic stability) indicates that this missense variant is not expected to disrupt PHF21A protein function with a negative predictive value of 80%. In summary, the available evidence is currently insufficient to determine the role of this variant in disease. Therefore, it has been classified as a Variant of Uncertain Significance.